The following is an entry in ClinVar:

ClinVar aggregate classification (germline): Pathogenic/Likely pathogenic. Review status: criteria provided, multiple submitters, no conflicts (2 of 4 stars). 5 submissions from 5 submitters: Pathogenic (3); Likely pathogenic (2). Last evaluated 2025-05-13.

Conditions:
Cerebral arteriopathy, autosomal dominant, with subcortical infarcts and leukoencephalopathy, type 1 (CADASIL1). Also called: CADASIL 1; CASIL; Cerebral arteriopathy with subcortical infarcts and leukoencephalopathy 1; DEMENTIA, HEREDITARY MULTIINFARCT TYPE. Identifiers: Orphanet 136, MedGen C4551768, MONDO:0000914, OMIM 125310.

Allele frequency attached by ClinVar (database versions not stated): TOPMed below 0.00001; gnomAD 0.00001.
gnomAD v4.1: 3 of 1,613,182 alleles (0.00019%); highest among the groups gnomAD compares: Non-Finnish European, 0.00025%; no homozygotes.

Submissions (5):

Labcorp Genetics (formerly Invitae), Labcorp
Classification: Pathogenic. Last evaluated: 2025-05-13. Review status: criteria provided, single submitter. Criteria: Invitae Variant Classification Sherloc (09022015). Collection method: clinical testing. Allele origin: germline.
Comment: This sequence change replaces glycine, which is neutral and non-polar, with cysteine, which is neutral and slightly polar, at codon 420 of the NOTCH3 protein (p.Gly420Cys). This variant is not present in population databases (gnomAD no frequency). This missense change has been observed in individuals with clinical features of cerebral arteriopathy with subcortical infarcts and leukoencephalopathy 1 (PMID: 11755616, 19245392, 23623146, 34851492; internal data). ClinVar contains an entry for this variant (Variation ID: 447778). Invitae Evidence Modeling of protein sequence and biophysical properties (such as structural, functional, and spatial information, amino acid conservation, physicochemical variation, residue mobility, and thermodynamic stability) has been performed for this missense variant. However, the output from this modeling did not meet the statistical confidence thresholds required to predict the impact of this variant on NOTCH3 protein function. For these reasons, this variant has been classified as Pathogenic.

Mayo Clinic Laboratories, Mayo Clinic
Classification: Likely pathogenic. Last evaluated: 2025-04-30. Review status: criteria provided, single submitter. Criteria: ACMG Guidelines, 2015. Collection method: clinical testing. Allele origin: germline. Observed: 1 variant allele.
Comment: PP2, PP3, PM1, PM2_supporting, PS4_moderate

Athena Diagnostics
Classification: Pathogenic. Last evaluated: 2024-12-10. Review status: criteria provided, single submitter. Criteria: Athena Diagnostics Criteria. Collection method: clinical testing. Allele origin: unknown.
Comment: This variant alters a critical location within the protein, and is expected to severely affect function and cause disease. The frequency of this variant in the general population is consistent with pathogenicity. This variant has been identified in at least one individual with clinical features of CADASIL. Greater than 90% of NOTCH3 pathogenic variants associated with CADASIL involve the gain or loss of a cysteine residue within the epidermal growth factor (EGF)-like repeat domain (PMID: 32457593, 20301673).

ARUP Laboratories, Molecular Genetics and Genomics, ARUP Laboratories
Classification: Pathogenic. Last evaluated: 2024-01-26. Review status: criteria provided, single submitter. Criteria: ARUP Molecular Germline Variant Investigation Process 2024. Collection method: clinical testing. Allele origin: germline.
Comment: The NOTCH3 c.1258G>T; p.Gly420Cys variant (rs1323608032) is reported in the literature in multiple individuals affected with CADASIL (Joutel 2001, Mehta 2013, Sathe 2009). This variant is also reported in ClinVar (Variation ID: 447778). It is absent from the Genome Aggregation Database (v2.1.1), indicating it is not a common polymorphism. Most pathogenic NOTCH3 variants occur in exons 2-24 and either create or destroy a cysteine residue within an EGF-like domain (Rutten 2014), and thus the p.Gly420Cys variant is consistent with the predominant mechanism of disease in NOTCH3. Based on available information, this variant is considered to be pathogenic. References: Joutel A et al. Skin biopsy immunostaining with a Notch3 monoclonal antibody for CADASIL diagnosis. Lancet. 2001 Dec 15;358(9298):2049-51. PMID: 11755616. Mehta S et al. Spontaneous cerebellar hemorrhage associated with a novel Notch3 mutation. J Clin Neurosci. 2013 Jul;20(7):1034-6. PMID: 23623146. Rutten JW et al. Interpretation of NOTCH3 mutations in the diagnosis of CADASIL. Expert Rev Mol Diagn. 2014 Jun;14(5):593-603. PMID: 24844136. Sathe S et al. Acute confusional migraine may be a presenting feature of CADASIL. Headache. 2009 Apr;49(4):590-6. PMID: 19245392.

Molecular Diagnostics Laboratory, M Health Fairview: University of Minnesota
Classification: Likely pathogenic for Cerebral arteriopathy, autosomal dominant, with subcortical infarcts and leukoencephalopathy, type 1. Last evaluated: 2018-02-22. Review status: criteria provided, single submitter. Criteria: ACMG Guidelines, 2015. Collection method: clinical testing. Allele origin: germline. Affected: yes. Observed: 1 variant allele.

Literature cited by the submitters: PubMed 11755616 (cited by 4 submitters); PubMed 19245392 (cited by 4 submitters); PubMed 23623146 (cited by 3 submitters); PubMed 34851492 (cited by 3 submitters); PubMed 12146805 (cited by 3 submitters); PubMed 33216222 (cited by Mayo Clinic Laboratories, Mayo Clinic); PubMed 36047879 (cited by Mayo Clinic Laboratories, Mayo Clinic); PubMed 36380532 (cited by Mayo Clinic Laboratories, Mayo Clinic); PubMed 36401683 (cited by Mayo Clinic Laboratories, Mayo Clinic); PubMed 37873835 (cited by Mayo Clinic Laboratories, Mayo Clinic); PubMed 10712431 (cited by Molecular Diagnostics Laboratory, M Health Fairview: University of Minnesota).

NM_000435.3(NOTCH3):c.1258G>T (p.Gly420Cys)

Gene: NOTCH3 (notch receptor 3; minus strand). Cytogenetic location: 19p13.12.
Variant type: single nucleotide variant.
Coding change: c.1258G>T on transcript NM_000435.3 (MANE Select); coding-DNA position 1258, G replaced by T.
Protein change: p.Gly420Cys; replaces glycine 420 with cysteine.
Molecular consequence: missense variant.
Genome position (GRCh38, 1-based): chr19:15,189,109, C>A on the plus strand (G>T on the coding strand, the complement: NOTCH3 is on the minus strand). VCF-style: chr19-15189109-C-A. GRCh37 (hg19) VCF-style: chr19-15299920-C-A.
Other names: short protein forms G420C.
Identifiers: ClinVar variation 447778 (VCV000447778.22), dbSNP rs1323608032, ClinGen allele CA404528180.